The following is an entry in ClinVar:

ClinVar aggregate classification (germline): Uncertain significance. Review status: criteria provided, multiple submitters, no conflicts (2 of 4 stars). 4 submissions from 4 submitters: Uncertain significance (4). Last evaluated 2025-12-15.

Conditions:
Renal cell carcinoma. Identifiers: Orphanet 217071, MedGen C0007134, MeSH D002292, MONDO:0005086, HP:0005584.
Hereditary cancer-predisposing syndrome. Also called: Tumor predisposition; Hereditary Cancer Syndrome; Hereditary neoplastic syndrome; Neoplastic Syndromes, Hereditary. Identifiers: Orphanet 140162, MedGen C0027672, MeSH D009386, MONDO:0015356.
Autosomal recessive nonsyndromic hearing loss 97. Also called: Deafness, autosomal recessive 97. Identifiers: Orphanet 90636, MedGen C4084709, MONDO:0014739, OMIM 616705.

Allele frequency attached by ClinVar (database versions not stated): gnomAD 0.00001; TOPMed 0.00001.
gnomAD v4.1: 3 of 1,613,948 alleles (0.00019%); highest among the groups gnomAD compares: East Asian, 0.0045%; no homozygotes.

Submissions (4):

Labcorp Genetics (formerly Invitae), Labcorp
Classification: Uncertain significance for Renal cell carcinoma. Last evaluated: 2025-12-15. Review status: criteria provided, single submitter. Criteria: Invitae Variant Classification Sherloc (09022015). Collection method: clinical testing. Allele origin: germline.
Comment: This sequence change replaces arginine, which is basic and polar, with serine, which is neutral and polar, at codon 280 of the MET protein (p.Arg280Ser). This variant is not present in population databases (gnomAD no frequency). This missense change has been observed in individual(s) with breast cancer (PMID: 37277882). ClinVar contains an entry for this variant (Variation ID: 485748). Invitae Evidence Modeling of protein sequence and biophysical properties (such as structural, functional, and spatial information, amino acid conservation, physicochemical variation, residue mobility, and thermodynamic stability) indicates that this missense variant is expected to disrupt MET protein function with a positive predictive value of 80%. In summary, the available evidence is currently insufficient to determine the role of this variant in disease. Therefore, it has been classified as a Variant of Uncertain Significance.

Ambry Genetics
Classification: Uncertain significance for Hereditary cancer-predisposing syndrome. Last evaluated: 2024-06-28. Review status: criteria provided, single submitter. Criteria: Ambry Variant Classification Scheme 2023. Collection method: clinical testing. Allele origin: germline.
Comment: The p.R280S variant (also known as c.840G>T), located in coding exon 1 of the MET gene, results from a G to T substitution at nucleotide position 840. The arginine at codon 280 is replaced by serine, an amino acid with dissimilar properties. This amino acid position is highly conserved in available vertebrate species. In addition, the in silico prediction for this alteration is inconclusive. Since supporting evidence is limited at this time, the clinical significance of this alteration remains unclear.

Baylor Genetics
Classification: Uncertain significance for Autosomal recessive nonsyndromic hearing loss 97. Last evaluated: 2024-02-05. Review status: criteria provided, single submitter. Criteria: ACMG Guidelines, 2015. Collection method: clinical testing. Allele origin: unknown.

GeneDx
Classification: Uncertain significance. Last evaluated: 2019-10-10. Review status: criteria provided, single submitter. Criteria: GeneDx Variant Classification Process June 2021. Collection method: clinical testing. Allele origin: germline. Affected: yes.
Comment: Not observed in large population cohorts (Lek 2016); In silico analysis, which includes protein predictors and evolutionary conservation, supports a deleterious effect; Has not been previously published as pathogenic or benign to our knowledge

Literature cited by the submitters: PubMed 37277882 (cited by Labcorp Genetics (formerly Invitae), Labcorp).

NM_000245.4(MET):c.840G>T (p.Arg280Ser)

Gene: MET (MET proto-oncogene, receptor tyrosine kinase; plus strand). Cytogenetic location: 7q31.2.
Variant type: single nucleotide variant.
Coding change: c.840G>T on transcript NM_000245.4 (MANE Select); coding-DNA position 840, G replaced by T.
Protein change: p.Arg280Ser; replaces arginine 280 with serine.
Molecular consequence: missense variant. On other transcripts: intron variant (1).
Genome position (GRCh38, 1-based): chr7:116,699,924, G>T. VCF-style: chr7-116699924-G-T. GRCh37 (hg19) VCF-style: chr7-116339978-G-T.
Other names: c.840G>T, p.Arg280Ser (NM_001127500.3, NM_001324401.3); c.-91+27347G>T (NM_001324402.2); short protein forms R280S.
Identifiers: ClinVar variation 485748 (VCV000485748.14), dbSNP rs1207381066, ClinGen allele CA368969965.